The following is an entry in ClinVar:

NM_001376.5(DYNC1H1):c.3515A>C (p.Tyr1172Ser)

Gene: DYNC1H1 (dynein cytoplasmic 1 heavy chain 1; plus strand). Cytogenetic location: 14q32.31.
Variant type: single nucleotide variant.
Coding change: c.3515A>C on transcript NM_001376.5 (MANE Select); coding-DNA position 3515, A replaced by C.
Protein change: p.Tyr1172Ser; replaces tyrosine 1172 with serine.
Molecular consequence: missense variant.
Genome position (GRCh38, 1-based): chr14:101,995,251, A>C. VCF-style: chr14-101995251-A-C. GRCh37 (hg19) VCF-style: chr14-102461588-A-C.
Other names: short protein forms Y1172S.
Identifiers: ClinVar variation 2116488 (VCV002116488.5), dbSNP rs775012149, ClinGen allele CA391035358.
Genomic context (GRCh38, chr14:101,995,251, plus strand): 5'-AGTTGGAGCAGCACTCAGTAGACACGGCCAGCACCTCCGATGCAGTGACCTTCATCACCT[A>C]TGTGCAGTCTTTGAAACGGAAGATCAAGCAGTTTGAGAAGCAAGTTGAGGTGAGCTCTGT-3'
Protein context (NP_001367.2, residues 1162-1182): STSDAVTFIT[Tyr1172Ser]VQSLKRKIKQ

ClinVar aggregate classification (germline): Uncertain significance. Review status: criteria provided, multiple submitters, no conflicts (2 of 4 stars). 2 submissions from 2 submitters: Uncertain significance (2). Last evaluated 2023-03-15.

Conditions:
Charcot-Marie-Tooth disease axonal type 2O. Also called: CHARCOT-MARIE-TOOTH NEUROPATHY, AXONAL, TYPE 2O; CHARCOT-MARIE-TOOTH DISEASE, AXONAL, AUTOSOMAL DOMINANT, TYPE 2O; Charcot-Marie-Tooth Neuropathy Type 2O; Charcot-Marie-Tooth disease, axonal, type 20. Identifiers: Orphanet 284232, MedGen C3280220, MONDO:0013644, OMIM 614228.

Submissions (2):

GeneDx
Classification: Uncertain significance. Last evaluated: 2023-03-15. Review status: criteria provided, single submitter. Criteria: GeneDx Variant Classification Process June 2021. Collection method: clinical testing. Allele origin: germline. Affected: yes.
Comment: Not observed at significant frequency in large population cohorts (gnomAD); In silico analysis supports that this missense variant has a deleterious effect on protein structure/function; Has not been previously published as pathogenic or benign to our knowledge; This variant is associated with the following publications: (PMID: 26100331, 25609763, 25512093)

Labcorp Genetics (formerly Invitae), Labcorp
Classification: Uncertain significance for Charcot-Marie-Tooth disease axonal type 2O. Last evaluated: 2022-04-22. Review status: criteria provided, single submitter. Criteria: Invitae Variant Classification Sherloc (09022015). Collection method: clinical testing. Allele origin: germline.
Comment: In summary, the available evidence is currently insufficient to determine the role of this variant in disease. Therefore, it has been classified as a Variant of Uncertain Significance. Advanced modeling of protein sequence and biophysical properties (such as structural, functional, and spatial information, amino acid conservation, physicochemical variation, residue mobility, and thermodynamic stability) performed at Invitae indicates that this missense variant is not expected to disrupt DYNC1H1 protein function. This variant has not been reported in the literature in individuals affected with DYNC1H1-related conditions. This variant is not present in population databases (gnomAD no frequency). This sequence change replaces tyrosine, which is neutral and polar, with serine, which is neutral and polar, at codon 1172 of the DYNC1H1 protein (p.Tyr1172Ser).